The following continues an entry in ClinVar:

NM_000257.4(MYH7):c.728G>A (p.Arg243His)

Gene: MYH7. ClinVar aggregate classification (germline): Uncertain significance. Uncertain significance (1).

Submissions 11 to 16 of 16:

Laboratory for Molecular Medicine, Mass General Brigham Personalized Medicine
Classification: Likely pathogenic for Hypertrophic cardiomyopathy. Last evaluated: 2018-04-20. Review status: criteria provided, single submitter. Criteria: LMM Criteria. Collection method: clinical testing. Allele origin: germline. Inheritance: Autosomal dominant inheritance. Observed: 1 variant allele. Not counted in ClinVar's aggregate classification.
Comment: The p.Arg243His variant in MYH7 has been reported in 1 individual with hypertrop hic cardiomyopathy (Arad 2005), 1 with Ebstein anomaly (Sicko 2016), and 1 with left ventricular non-compaction, where it segregated in two affected relatives ( Klaassen 2008). It has been identified in 1/111714 European chromosomes by the G enome Aggregation Database (gnomAD; dbSNP rs2 67606910) and has been reported in ClinVar (Variation ID: 14126). In addition, another amino acid substitution involving this codon, p.Arg243Cys, has also been identified in individuals with HCM (Kubo 2011, Homburger 2016, Viswanathan 2017 ). Computational prediction tools and conservation analysis suggest that the p.A rg243His variant may impact the protein, though this information is not predicti ve enough to determine pathogenicity. This variant lies in the head region of th e protein and missense variants in this region have been reported and statistica lly indicated to be more likely to cause disease (Walsh 2016). In summary, altho ugh additional studies are required to fully establish its clinical significance , the p.Arg243His variant is likely pathogenic. ACMG/AMP Criteria applied: PM1; PM2; PM5; PP3.

Phosphorus, Inc.
Classification: Likely pathogenic for Hypertrophic cardiomyopathy 1. Last evaluated: 2017-08-01. Review status: criteria provided, single submitter. Criteria: ACMG Guidelines, 2015. Collection method: clinical testing. Allele origin: germline. Observed: 1 variant allele. Not counted in ClinVar's aggregate classification.

Center for Pediatric Genomic Medicine, Children's Mercy Hospital and Clinics
Classification: Uncertain significance. Last evaluated: 2017-04-19. Review status: criteria provided, single submitter. Criteria: ACMG Guidelines, 2015. Collection method: clinical testing. Allele origin: germline. Not counted in ClinVar's aggregate classification.

Lupski Lab, Baylor-Hopkins CMG, Baylor College of Medicine
Classification: Likely pathogenic for Wolff-Parkinson-White pattern. Last evaluated: 2017-07-14. Review status: no assertion criteria provided. Collection method: research. Allele origin: inherited. Affected: yes. Observed: 1 variant allele. Study: Candidate_variants_in_patients_with_ Wolff-Parkinson-White Syndrome. Not counted in ClinVar's aggregate classification.

OMIM
Classification: Pathogenic for CARDIOMYOPATHY, FAMILIAL HYPERTROPHIC, 1. Last evaluated: 2008-06-03. Review status: no assertion criteria provided. Collection method: literature only. Allele origin: germline. Not counted in ClinVar's aggregate classification.

OMIM
Classification: Pathogenic for LEFT VENTRICULAR NONCOMPACTION 5. Last evaluated: 2008-06-03. Review status: no assertion criteria provided. Collection method: literature only. Allele origin: germline. Not counted in ClinVar's aggregate classification.

Literature cited by the submitters: PubMed 18506004 (cited by 5 submitters); PubMed 20965760 (cited by Labcorp Genetics (formerly Invitae), Labcorp and Ambry Genetics); PubMed 21551322 (cited by Labcorp Genetics (formerly Invitae), Labcorp and Laboratory for Molecular Medicine, Mass General Brigham Personalized Medicine); PubMed 27532257 (cited by 3 submitters); PubMed 16267253 (cited by 4 submitters); PubMed 27066506 (cited by Ambry Genetics and Phosphorus, Inc.); PubMed 27788187 (cited by 3 submitters); PubMed 29447731 (cited by Ambry Genetics); PubMed 32233023 (cited by Ambry Genetics); PubMed 33500567 (cited by Ambry Genetics); PubMed 34540771 (cited by Ambry Genetics); PubMed 29121657 (cited by Laboratory for Molecular Medicine, Mass General Brigham Personalized Medicine); PubMed 27247418 (cited by Laboratory for Molecular Medicine, Mass General Brigham Personalized Medicine and Phosphorus, Inc.); PubMed 21799269 (cited by Laboratory for Molecular Medicine, Mass General Brigham Personalized Medicine); PubMed 12749056 (cited by Phosphorus, Inc. and OMIM).